The following is an entry in ClinVar:

ClinVar aggregate classification (germline): Conflicting classifications of pathogenicity. Review status: criteria provided, conflicting classifications (1 of 4 stars). 10 submissions from 10 submitters: Likely pathogenic (1); Uncertain significance (8); Likely benign (1). Last evaluated 2026-09-12.

Conditions:
Microcephalic primordial dwarfism, Alazami type. Also called: Alazami syndrome; FACIAL DYSMORPHISM, INTELLECTUAL DISABILITY, AND PRIMORDIAL DWARFISM. Identifiers: Orphanet 319671, MedGen C3554439, MONDO:0014031, OMIM 615071.

Allele frequency attached by ClinVar (database versions not stated): 1000 Genomes Project 30x 0.00016; 1000 Genomes Project 0.00020; ESP Exome Variant Server 0.00026; gnomAD 0.00026; gnomAD exomes 0.00032; TOPMed 0.00038; ExAC 0.00058.
gnomAD v4.1: 817 of 1,593,454 alleles (0.051%); highest among the groups gnomAD compares: Middle Eastern, 0.57%; no homozygotes.

Submissions (10):

GeneDx
Classification: Uncertain significance. Last evaluated: 2026-09-12. Review status: criteria provided, single submitter. Criteria: GeneDx Variant Classification Process June 2021. Collection method: clinical testing. Allele origin: germline.
Comment: In silico analysis supports that this missense variant has a deleterious effect on protein structure/function; Has not been previously published as pathogenic or benign to our knowledge

OLLIN Analises Genomicas, OLLIN
Classification: Uncertain significance. Last evaluated: 2026-08-06. Review status: criteria provided, single submitter. Criteria: ACMG Guidelines 2015 PMID 25741868. Collection method: clinical testing. Allele origin: germline.
Comment: This missense variant, located in exon 4 (of 13), has been reported in ClinVar (accession VCV000218568.57) and in gnomAD with an allele frequency of 0.051%. However, to our knowledge, it has not been reported in the scientific literature. In silico analysis predicts that this variant has a tolerated effect. According to the currently available evidence, this variant has been classified as uncertain significance (PM2_P, BP4_M).

Women's Health and Genetics/Laboratory Corporation of America, LabCorp
Classification: Uncertain significance. Last evaluated: 2025-09-04. Review status: criteria provided, single submitter. Criteria: LabCorp Variant Classification Summary - May 2015. Collection method: clinical testing. Allele origin: germline.
Comment: Variant summary: LARP7 c.320C>T (p.Thr107Ile) results in a non-conservative amino acid change located in the La-type HTH domain (IPR006630) of the encoded protein sequence. Algorithms developed to predict the effect of missense changes on protein structure and function are either unavailable or do not agree on the potential impact of this missense change. The variant allele was found at a frequency of 0.00032 in 233580 control chromosomes. This frequency is not significantly higher than estimated for disease-causing variants in LARP7, allowing no conclusion about variant significance. To our knowledge, no occurrence of c.320C>T in individuals affected with Microcephalic Primordial Dwarfism, Alazami Type and no experimental evidence demonstrating its impact on protein function have been reported in the literature. ClinVar contains an entry for this variant (Variation ID: 218568). Based on the evidence outlined above, the variant was classified as uncertain significance.

3billion
Classification: Likely benign for Microcephalic primordial dwarfism, Alazami type. Last evaluated: 2024-09-20. Review status: criteria provided, single submitter. Criteria: ACMG Guidelines, 2015. Collection method: clinical testing. Allele origin: germline. Affected: no.
Comment: The homozygous variant was found in patients diagnosed with another variant in a different gene, with no symptoms related to the gene containing the homozygous variant.

Victorian Clinical Genetics Services, Murdoch Childrens Research Institute
Classification: Uncertain significance for Microcephalic primordial dwarfism, Alazami type. Last evaluated: 2023-07-17. Review status: criteria provided, single submitter. Criteria: ACMG Guidelines, 2015. Collection method: clinical testing. Allele origin: germline. Inheritance: Autosomal recessive inheritance. Affected: yes.
Comment: Based on the classification scheme VCGS_Germline_v1.3.4, this variant is classified as VUS-3B. Following criteria are met: 0102 - Loss of function is a known mechanism of disease in this gene and is associated with Alazami syndrome. (I) 0106 - This gene is associated with autosomal recessive disease. (I) 0200 - Variant is predicted to result in a missense amino acid change from threonine to isoleucine. (I) 0251 - This variant is heterozygous. (I) 0304 - Variant is present in gnomAD (v2 and v3) <0.01 for a recessive condition (138 heterozygotes, 0 homozygotes). (SP) 0309 - Multiple alternative amino acid changes at the same position have been observed in gnomAD (v3) (highest allele count 1 heterozygote, 0 homozygotes). (I) 0502 - Missense variant with conflicting in silico predictions and uninformative conservation. (I) 0600 - Variant is located in the annotated La RNA-binding domain (PMID: 25753663). (I) 0705 - No comparable missense variants have previous evidence for pathogenicity. (I) 0808 - Previous reports of pathogenicity for this variant are conflicting. This variant was identified compound heterozygous in an individual with Alazami syndrome and was regarded as likely pathogenic (ClinVar). However, this variant has been classified multiple times as a VUS in unrelated individuals (ClinVar) and also as likely benign (LOVD) by diagnostic laboratories. (I) 0905 - No published segregation evidence has been identified for this variant. (I) 1007 - No published functional evidence has been identified for this variant. (I) 1201 - Heterozygous variant detected in trans with a second pathogenic heterozygous variant (NM_015454.2(LARP7):c.290C>A; p.(Ser97*)) in a recessive disease. (I) Legend: (SP) - Supporting pathogenic, (I) - Information, (SB) - Supporting benign

Labcorp Genetics (formerly Invitae), Labcorp
Classification: Uncertain significance. Last evaluated: 2022-10-25. Review status: criteria provided, single submitter. Criteria: Invitae Variant Classification Sherloc (09022015). Collection method: clinical testing. Allele origin: germline.
Comment: This sequence change replaces threonine, which is neutral and polar, with isoleucine, which is neutral and non-polar, at codon 107 of the LARP7 protein (p.Thr107Ile). This variant is present in population databases (rs200393300, gnomAD 0.05%). This variant has not been reported in the literature in individuals affected with LARP7-related conditions. ClinVar contains an entry for this variant (Variation ID: 218568). Advanced modeling of protein sequence and biophysical properties (such as structural, functional, and spatial information, amino acid conservation, physicochemical variation, residue mobility, and thermodynamic stability) performed at Invitae indicates that this missense variant is not expected to disrupt LARP7 protein function. In summary, the available evidence is currently insufficient to determine the role of this variant in disease. Therefore, it has been classified as a Variant of Uncertain Significance.

Undiagnosed Diseases Network, NIH
Classification: Likely pathogenic for Microcephalic primordial dwarfism, Alazami type. Last evaluated: 2022-06-15. Review status: criteria provided, single submitter. Criteria: ACMG Guidelines, 2015. Collection method: clinical testing. Allele origin: paternal. Affected: yes. Observed: 1 variant allele, 1 compound heterozygote. Study: Undiagnosed Diseases Network (NIH), UDN.
Comment: Also found to have telomere shortening (< 10%) by RepeatDx.

CeGaT Center for Human Genetics Tuebingen
Classification: Uncertain significance. Last evaluated: 2018-06-01. Review status: criteria provided, single submitter. Criteria: CeGaT Center For Human Genetics Tuebingen Variant Classification Criteria Version 2. Collection method: clinical testing. Allele origin: germline. Affected: yes. Observed: 1 variant allele.

Genomic Diagnostic Laboratory, Division of Genomic Diagnostics, Children's Hospital of Philadelphia
Classification: Uncertain significance. Last evaluated: 2014-12-31. Review status: criteria provided, single submitter. Criteria: DGD Variant Analysis Guidelines. Collection method: clinical testing. Allele origin: unknown.

Breakthrough Genomics
Classification: Uncertain significance. Review status: criteria provided, single submitter. Criteria: ACMG Guidelines, 2015. Collection method: not provided. Allele origin: germline. Inheritance: Autosomal recessive inheritance. Affected: yes.

Literature cited by the submitters: PubMed 25753663 (cited by Victorian Clinical Genetics Services, Murdoch Childrens Research Institute).

NM_016648.4(LARP7):c.320C>T (p.Thr107Ile)

Gene: LARP7 (La ribonucleoprotein 7, transcriptional regulator; plus strand). Cytogenetic location: 4q25.
Variant type: single nucleotide variant.
Coding change: c.320C>T on transcript NM_016648.4 (MANE Select); coding-DNA position 320, C replaced by T.
Protein change: p.Thr107Ile; replaces threonine 107 with isoleucine.
Molecular consequence: missense variant.
Genome position (GRCh38, 1-based): chr4:112,646,604, C>T. VCF-style: chr4-112646604-C-T. GRCh37 (hg19) VCF-style: chr4-113567760-C-T.
Other names: p.Thr114Ile; c.320C>T, p.Thr107Ile (NM_001267039.4, NM_001370974.1, NM_001370975.1 and 6 more transcripts); c.83C>T, p.Thr28Ile (NM_001370981.1, NM_001370982.1); c.320C>T (NM_016648.3); short protein forms T107I, T28I.
Identifiers: ClinVar variation 218568 (VCV000218568.60), dbSNP rs200393300, ClinGen allele CA249063.